The following is an entry in ClinVar:

ClinVar aggregate classification (germline): Uncertain significance. Review status: criteria provided, multiple submitters, no conflicts (2 of 4 stars). 2 submissions from 2 submitters: Uncertain significance (2). Last evaluated 2024-12-25.

Conditions:
Inborn genetic diseases. Identifiers: MedGen C0950123, MeSH D030342.
Spastic paraplegia. Identifiers: MedGen C0037772, HP:0001258.

Submissions (2):

Ambry Genetics
Classification: Uncertain significance for Inborn genetic diseases. Last evaluated: 2024-12-25. Review status: criteria provided, single submitter. Criteria: Ambry Variant Classification Scheme 2023. Collection method: clinical testing. Allele origin: germline.

Labcorp Genetics (formerly Invitae), Labcorp
Classification: Uncertain significance for Spastic paraplegia. Last evaluated: 2024-02-20. Review status: criteria provided, single submitter. Criteria: Invitae Variant Classification Sherloc (09022015). Collection method: clinical testing. Allele origin: germline.
Comment: This sequence change replaces proline, which is neutral and non-polar, with histidine, which is basic and polar, at codon 384 of the GJC2 protein (p.Pro384His). This variant is present in population databases (rs775264492, gnomAD 0.02%). This variant has not been reported in the literature in individuals affected with GJC2-related conditions. ClinVar contains an entry for this variant (Variation ID: 2204381). Advanced modeling of protein sequence and biophysical properties (such as structural, functional, and spatial information, amino acid conservation, physicochemical variation, residue mobility, and thermodynamic stability) has been performed at Invitae for this missense variant, however the output from this modeling did not meet the statistical confidence thresholds required to predict the impact of this variant on GJC2 protein function. In summary, the available evidence is currently insufficient to determine the role of this variant in disease. Therefore, it has been classified as a Variant of Uncertain Significance.

NM_020435.4(GJC2):c.1151C>A (p.Pro384His)

Gene: GJC2 (gap junction protein gamma 2; plus strand). Cytogenetic location: 1q42.13.
Variant type: single nucleotide variant.
Coding change: c.1151C>A on transcript NM_020435.4 (MANE Select); coding-DNA position 1151, C replaced by A.
Protein change: p.Pro384His; replaces proline 384 with histidine.
Molecular consequence: missense variant.
Genome position (GRCh38, 1-based): chr1:228,158,909, C>A. VCF-style: chr1-228158909-C-A. GRCh37 (hg19) VCF-style: chr1-228346610-C-A.
Other names: short protein forms P384H.
Identifiers: ClinVar variation 2204381 (VCV002204381.5), dbSNP rs775264492, ClinGen allele CA1430956.
Genomic context (GRCh38, chr1:228,158,909, plus strand): 5'-CTGGGGACCGCGACCGGGACAGTTCGCCGTGCGTCGGCCTCCCTGCGGCCTCCCGGGGGC[C>A]CCCCAGAGCAGGCGCCCCCGCGTCCCGGACGGGCAGTGCTACCTCTGCGGGCACTGTCGG-3'
Protein context (NP_065168.2, residues 374-394): CVGLPAASRG[Pro384His]PRAGAPASRT